The following is an entry in ClinVar:

NM_000465.4(BARD1):c.876G>A (p.Lys292=)

Gene: BARD1 (BRCA1 associated RING domain 1; minus strand). Cytogenetic location: 2q35.
Variant type: single nucleotide variant.
Coding change: c.876G>A on transcript NM_000465.4 (MANE Select); coding-DNA position 876, G replaced by A.
Protein change: p.Lys292=; no amino-acid change (lysine 292 retained).
Molecular consequence: synonymous variant. On other transcripts: intron variant (3), non-coding transcript variant (2).
Genome position (GRCh38, 1-based): chr2:214,780,998, C>T on the plus strand (G>A on the coding strand, the complement: BARD1 is on the minus strand). VCF-style: chr2-214780998-C-T. GRCh37 (hg19) VCF-style: chr2-215645722-C-T.
Other names: c.215+16063G>A (NM_001282545.2); c.364+11299G>A (NM_001282549.2); c.819G>A, p.Lys273= (NM_001282543.2); c.158+28414G>A (NM_001282548.2); c.876G>A (NM_000465.3).
Identifiers: ClinVar variation 1764603 (VCV001764603.12), dbSNP rs1449269582, ClinGen allele CA431391801.

ClinVar aggregate classification (germline): Benign/Likely benign. Review status: criteria provided, multiple submitters, no conflicts (2 of 4 stars). 5 submissions from 5 submitters: Benign (1); Likely benign (4). Last evaluated 2025-03-04.

Conditions:
Hereditary cancer-predisposing syndrome. Also called: Neoplastic Syndromes, Hereditary; Tumor predisposition; Hereditary Cancer Syndrome; Hereditary neoplastic syndrome. Identifiers: Orphanet 140162, MedGen C0027672, MeSH D009386, MONDO:0015356.
Familial cancer of breast. Also called: hereditary breast carcinoma; BREAST CANCER, FAMILIAL; Hereditary breast cancer. Identifiers: Orphanet 227535, MedGen C0346153, MONDO:0016419, OMIM 114480. Disease mechanism: loss of function.

Allele frequency attached by ClinVar (database versions not stated): gnomAD exomes below 0.00001.
gnomAD v4.1: 1 of 1,613,222 alleles (0.000062%); highest among the groups gnomAD compares: Non-Finnish European, 0.000085%; no homozygotes.

Submissions (5):

Center for Genomic Medicine, Rigshospitalet, Copenhagen University Hospital
Classification: Likely benign. Last evaluated: 2025-03-04. Review status: criteria provided, single submitter. Criteria: ACMG Guidelines, 2015. Collection method: clinical testing. Allele origin: germline.

Myriad Genetics, Inc.
Classification: Benign for Familial cancer of breast. Last evaluated: 2024-07-23. Review status: criteria provided, single submitter. Criteria: Myriad Autosomal Dominant, Autosomal Recessive and X-Linked Classification Criteria (2023). Collection method: clinical testing. Allele origin: unknown.
Comment: This variant is considered benign. This variant is a silent/synonymous amino acid change and it is not expected to impact splicing.

Labcorp Genetics (formerly Invitae), Labcorp
Classification: Likely benign for Familial cancer of breast. Last evaluated: 2023-06-05. Review status: criteria provided, single submitter. Criteria: Invitae Variant Classification Sherloc (09022015). Collection method: clinical testing. Allele origin: germline.

Ambry Genetics
Classification: Likely benign for Hereditary cancer-predisposing syndrome. Last evaluated: 2021-03-01. Review status: criteria provided, single submitter. Criteria: Ambry Variant Classification Scheme 2023. Collection method: clinical testing. Allele origin: germline.

Department of Pathology and Laboratory Medicine, Sinai Health System
Classification: Likely benign for Familial cancer of breast. Last evaluated: 2021-02-03. Review status: criteria provided, single submitter. Criteria: ACMG Guidelines, 2015. Collection method: clinical testing. Allele origin: germline. Affected: yes.